The following is an entry in ClinVar:

ClinVar aggregate classification (germline): Uncertain significance (1 of 4 stars; one submission).

Conditions:
Dyskeratosis congenita, autosomal dominant 6 (DKCA6). Identifiers: Orphanet 3322, MedGen C4225284, MONDO:0014690, OMIM 616553.

Allele frequency attached by ClinVar (database versions not stated): gnomAD exomes below 0.00001.

Submission:

Labcorp Genetics (formerly Invitae), Labcorp
Classification: Uncertain significance for Dyskeratosis congenita, autosomal dominant 6. Last evaluated: 2022-04-01. Review status: criteria provided, single submitter. Criteria: Invitae Variant Classification Sherloc (09022015). Collection method: clinical testing. Allele origin: germline.
Comment: This variant, c.558_563dup, results in the insertion of 2 amino acid(s) of the ACD protein (p.Cys187_Gly188dup), but otherwise preserves the integrity of the reading frame. This variant is not present in population databases (gnomAD no frequency). This variant has not been reported in the literature in individuals affected with ACD-related conditions. In summary, the available evidence is currently insufficient to determine the role of this variant in disease. Therefore, it has been classified as a Variant of Uncertain Significance.

NM_001082486.2(ACD):c.300_305dup (p.Gly102_Val103insCysGly)

Gene: ACD (ACD shelterin complex subunit and telomerase recruitment factor; minus strand). Cytogenetic location: 16q22.1.
Variant type: Duplication.
Coding change: c.300_305dup on transcript NM_001082486.2 (MANE Select); coding-DNA positions 300 to 305, 6 bases duplicated (CTGCGG; older notation c.300_305dupCTGCGG).
Protein change: p.Gly102_Val103insCysGly.
Molecular consequence: inframe insertion. On other transcripts: inframe indel (1).
Genome position (GRCh38, 1-based): chr16:67,659,733-67,659,738, CCGCAG duplicated on the plus strand (CTGCGG on the coding strand, the reverse complement: ACD is on the minus strand). VCF-style (leftmost placement, unchanged base first): chr16-67659732-C-CCCGCAG. GRCh37 (hg19) VCF-style: chr16-67693635-C-CCCGCAG.
Other names: c.300_305dup, p.Gly102_Val103insCysGly (NM_001410884.1); c.291_296dup, p.Gly99_Val100insCysGly (NM_022914.3).
Identifiers: ClinVar variation 1982985 (VCV001982985.4), dbSNP rs2543609021, ClinGen allele CA2580091992.